The following is an entry in ClinVar:

ClinVar aggregate classification (germline): Likely benign (0 of 4 stars; one submission).

Conditions:
LAMA4-related disorder. Also called: LAMA4-related condition.

Allele frequency attached by ClinVar (database versions not stated): gnomAD 0.00001; gnomAD exomes 0.00001; TOPMed 0.00001.
gnomAD v4.1: 9 of 1,612,110 alleles (0.00056%); highest among the groups gnomAD compares: African/African-American, 0.0013%; no homozygotes.

Submission:

PreventionGenetics, part of Exact Sciences
Classification: Likely benign for LAMA4-related condition. Last evaluated: 2021-03-22. Review status: no assertion criteria provided. Collection method: clinical testing. Allele origin: germline.
Comment: This variant is classified as likely benign based on ACMG/AMP sequence variant interpretation guidelines (Richards et al. 2015 PMID: 25741868, with internal and published modifications).

NM_001105206.3(LAMA4):c.195+39T>A

Genes: LAMA4 (laminin subunit alpha 4; minus strand), LAMA4-AS1 (LAMA4 antisense RNA 1; plus strand). Cytogenetic location: 6q21.
Variant type: single nucleotide variant.
Coding change: c.195+39T>A on transcript NM_001105206.3 (MANE Select); 39 bases into the intron after coding-DNA position 195, T replaced by A.
Molecular consequence: intron variant. On other transcripts: synonymous variant (2).
Genome position (GRCh38, 1-based): chr6:112,253,917, A>T on the plus strand (T>A on the coding strand, the complement: LAMA4 is on the minus strand). VCF-style: chr6-112253917-A-T. GRCh37 (hg19) VCF-style: chr6-112575119-A-T.
Other names: c.234T>A, p.Pro78= (NM_001105208.3, NM_001105209.3); c.195+39T>A (NM_002290.5, NM_001105207.3).
Identifiers: ClinVar variation 3030981 (VCV003030981.2), dbSNP rs1347178161, ClinGen allele CA570039517.